The following is an entry in ClinVar:

NM_000821.7(GGCX):c.1435C>A (p.Gln479Lys)

Gene: GGCX (gamma-glutamyl carboxylase; minus strand). Cytogenetic location: 2p11.2.
Variant type: single nucleotide variant.
Coding change: c.1435C>A on transcript NM_000821.7 (MANE Select); coding-DNA position 1435, C replaced by A.
Protein change: p.Gln479Lys; replaces glutamine 479 with lysine.
Molecular consequence: missense variant.
Genome position (GRCh38, 1-based): chr2:85,552,420, G>T on the plus strand (C>A on the coding strand, the complement: GGCX is on the minus strand). VCF-style: chr2-85552420-G-T. GRCh37 (hg19) VCF-style: chr2-85779543-G-T.
Other names: c.1264C>A, p.Gln422Lys (NM_001142269.4); short protein forms Q479K, Q422K.
Identifiers: ClinVar variation 2002078 (VCV002002078.4), dbSNP rs1234413206, ClinGen allele CA347485113.

ClinVar aggregate classification (germline): Uncertain significance (1 of 4 stars; one submission).

Submission:

Labcorp Genetics (formerly Invitae), Labcorp
Classification: Uncertain significance. Last evaluated: 2022-06-10. Review status: criteria provided, single submitter. Criteria: Invitae Variant Classification Sherloc (09022015). Collection method: clinical testing. Allele origin: germline.
Comment: In summary, the available evidence is currently insufficient to determine the role of this variant in disease. Therefore, it has been classified as a Variant of Uncertain Significance. Algorithms developed to predict the effect of missense changes on protein structure and function (SIFT, PolyPhen-2, Align-GVGD) all suggest that this variant is likely to be disruptive. This variant has not been reported in the literature in individuals affected with GGCX-related conditions. This variant is not present in population databases (gnomAD no frequency). This sequence change replaces glutamine, which is neutral and polar, with lysine, which is basic and polar, at codon 479 of the GGCX protein (p.Gln479Lys).